The following is an entry in ClinVar:

NM_001165963.4(SCN1A):c.4002+2369G>A

Genes: SCN1A (sodium voltage-gated channel alpha subunit 1; minus strand), LOC102724058 (uncharacterized LOC102724058; plus strand). Cytogenetic location: 2q24.3.
Variant type: single nucleotide variant.
Coding change: c.4002+2369G>A on transcript NM_001165963.4 (MANE Select); 2369 bases into the intron after coding-DNA position 4002, G replaced by A.
Molecular consequence: intron variant.
Genome position (GRCh38, 1-based): chr2:166,007,350, C>T on the plus strand (G>A on the coding strand, the complement: SCN1A is on the minus strand). VCF-style: chr2-166007350-C-T. GRCh37 (hg19) VCF-style: chr2-166863860-C-T.
Other names: c.3969+2369G>A (NM_001353949.2, NM_001353950.2, NM_001353951.2 and 2 more transcripts); c.3918+2369G>A (NM_001353958.2, NM_001353957.2, NM_001165964.3); c.4002+2369G>A (NM_001202435.3, NM_001353948.2); c.3966+2369G>A (NM_001353955.2, NM_001353954.2); c.3915+2369G>A (NM_001353960.2); c.1560+2369G>A (NM_001353961.2).
Identifiers: ClinVar variation 3004444 (VCV003004444.3), dbSNP rs1301471570, ClinGen allele CA760220775.

ClinVar aggregate classification (germline): Uncertain significance (1 of 4 stars; one submission).

Conditions:
Early-infantile DEE. Also called: Early infantile epileptic encephalopathy; Ohtahara syndrome; Early infantile epileptic encephalopathy with suppression bursts. Identifiers: Orphanet 1934, MedGen C0393706, MONDO:0800491.

Allele frequency attached by ClinVar (database versions not stated): gnomAD 0.00001; TOPMed below 0.00001.
gnomAD v4.1: 1 of 151,196 alleles (0.00066%); highest among the groups gnomAD compares: Non-Finnish European, 0.0015%; no homozygotes.

Submission:

Labcorp Genetics (formerly Invitae), Labcorp
Classification: Uncertain significance for Early-infantile DEE. Last evaluated: 2024-05-15. Review status: criteria provided, single submitter. Criteria: Invitae Variant Classification Sherloc (09022015). Collection method: clinical testing. Allele origin: germline.
Comment: This sequence change falls in intron 20 of the SCN1A gene. It does not directly change the encoded amino acid sequence of the SCN1A protein. However, this sequence change falls within a region encompassing a cryptic exon in the SCN1A gene, in which variants have been shown to alter splicing (PMID: 30526861, 34107977). This variant is not present in population databases (gnomAD no frequency). This variant has not been reported in the literature in individuals affected with SCN1A-related conditions. Algorithms developed to predict the effect of sequence changes on RNA splicing suggest that this variant is not likely to affect RNA splicing. In summary, the available evidence is currently insufficient to determine the role of this variant in disease. Therefore, it has been classified as a Variant of Uncertain Significance.

Literature cited by the submitters: PubMed 30526861; PubMed 34107977.